The following is an entry in ClinVar:

NM_004820.5(CYP7B1):c.831C>A (p.His277Gln)

Gene: CYP7B1 (cytochrome P450 family 7 subfamily B member 1; minus strand). Cytogenetic location: 8q12.3.
Variant type: single nucleotide variant.
Coding change: c.831C>A on transcript NM_004820.5 (MANE Select); coding-DNA position 831, C replaced by A.
Protein change: p.His277Gln; replaces histidine 277 with glutamine.
Molecular consequence: missense variant.
Genome position (GRCh38, 1-based): chr8:64,615,710, G>T on the plus strand (C>A on the coding strand, the complement: CYP7B1 is on the minus strand). VCF-style: chr8-64615710-G-T. GRCh37 (hg19) VCF-style: chr8-65528267-G-T.
Other names: c.831C>A, p.His277Gln (NM_001324112.2); short protein forms H277Q.
Identifiers: ClinVar variation 1987688 (VCV001987688.3), dbSNP rs370511428, ClinGen allele CA371334872.

ClinVar aggregate classification (germline): Uncertain significance (1 of 4 stars; one submission).

Conditions:
Spastic paraplegia. Identifiers: MedGen C0037772, HP:0001258.

Submission:

Labcorp Genetics (formerly Invitae), Labcorp
Classification: Uncertain significance for Spastic paraplegia. Last evaluated: 2023-07-07. Review status: criteria provided, single submitter. Criteria: Invitae Variant Classification Sherloc (09022015). Collection method: clinical testing. Allele origin: germline.
Comment: ClinVar contains an entry for this variant (Variation ID: 1987688). This variant has not been reported in the literature in individuals affected with CYP7B1-related conditions. This variant is not present in population databases (gnomAD no frequency). This sequence change replaces histidine, which is basic and polar, with glutamine, which is neutral and polar, at codon 277 of the CYP7B1 protein (p.His277Gln). Advanced modeling of protein sequence and biophysical properties (such as structural, functional, and spatial information, amino acid conservation, physicochemical variation, residue mobility, and thermodynamic stability) performed at Invitae indicates that this missense variant is not expected to disrupt CYP7B1 protein function. In summary, the available evidence is currently insufficient to determine the role of this variant in disease. Therefore, it has been classified as a Variant of Uncertain Significance.